The following is an entry in ClinVar:

NM_000321.3(RB1):c.1853C>T (p.Ser618Leu)

Gene: RB1 (RB transcriptional corepressor 1; plus strand). Cytogenetic location: 13q14.2.
Variant type: single nucleotide variant.
Coding change: c.1853C>T on transcript NM_000321.3 (MANE Select); coding-DNA position 1853, C replaced by T.
Protein change: p.Ser618Leu; replaces serine 618 with leucine.
Molecular consequence: missense variant.
Genome position (GRCh38, 1-based): chr13:48,456,242, C>T. VCF-style: chr13-48456242-C-T. GRCh37 (hg19) VCF-style: chr13-49030378-C-T.
Other names: c.1853C>T, p.Ser618Leu (NM_001407165.1); short protein forms S618L.
Identifiers: ClinVar variation 3430857 (VCV003430857.2).

ClinVar aggregate classification (germline): Uncertain significance. Review status: criteria provided, multiple submitters, no conflicts (2 of 4 stars). 2 submissions from 2 submitters: Uncertain significance (2). Last evaluated 2025-04-09.

Conditions:
Hereditary cancer-predisposing syndrome. Also called: Neoplastic Syndromes, Hereditary; Tumor predisposition; Hereditary Cancer Syndrome; Hereditary neoplastic syndrome. Identifiers: Orphanet 140162, MedGen C0027672, MeSH D009386, MONDO:0015356.
Retinoblastoma (RB1). Also called: RETINOBLASTOMA, SOMATIC. Identifiers: Orphanet 790, MedGen C0035335, MeSH D012175, MONDO:0008380, OMIM 180200, HP:0009919. Disease mechanism: loss of function. Inheritance: Both sporadic and heritable forms are tested..

Submissions (2):

Labcorp Genetics (formerly Invitae), Labcorp
Classification: Uncertain significance for Retinoblastoma. Last evaluated: 2025-04-09. Review status: criteria provided, single submitter. Criteria: Invitae Variant Classification Sherloc (09022015). Collection method: clinical testing. Allele origin: germline.
Comment: This sequence change replaces serine, which is neutral and polar, with leucine, which is neutral and non-polar, at codon 618 of the RB1 protein (p.Ser618Leu). This variant is not present in population databases (gnomAD no frequency). This variant has not been reported in the literature in individuals affected with RB1-related conditions. ClinVar contains an entry for this variant (Variation ID: 3430857). Invitae Evidence Modeling of protein sequence and biophysical properties (such as structural, functional, and spatial information, amino acid conservation, physicochemical variation, residue mobility, and thermodynamic stability) indicates that this missense variant is not expected to disrupt RB1 protein function with a negative predictive value of 80%. In summary, the available evidence is currently insufficient to determine the role of this variant in disease. Therefore, it has been classified as a Variant of Uncertain Significance.

Ambry Genetics
Classification: Uncertain significance for Hereditary cancer-predisposing syndrome. Last evaluated: 2024-09-24. Review status: criteria provided, single submitter. Criteria: Ambry Variant Classification Scheme 2023. Collection method: clinical testing. Allele origin: germline.
Comment: The p.S618L variant (also known as c.1853C>T), located in coding exon 19 of the RB1 gene, results from a C to T substitution at nucleotide position 1853. The serine at codon 618 is replaced by leucine, an amino acid with dissimilar properties. This amino acid position is conserved. In addition, the in silico prediction for this alteration is inconclusive. Based on the available evidence, the clinical significance of this variant remains unclear.